The following is an entry in ClinVar:

NM_000287.4(PEX6):c.2017C>T (p.Pro673Ser)

Gene: PEX6 (peroxisomal biogenesis factor 6; minus strand). Cytogenetic location: 6p21.1.
Variant type: single nucleotide variant.
Coding change: c.2017C>T on transcript NM_000287.4 (MANE Select); coding-DNA position 2017, C replaced by T.
Protein change: p.Pro673Ser; replaces proline 673 with serine.
Molecular consequence: missense variant. On other transcripts: non-coding transcript variant (1).
Genome position (GRCh38, 1-based): chr6:42,966,602, G>A on the plus strand (C>T on the coding strand, the complement: PEX6 is on the minus strand). VCF-style: chr6-42966602-G-A. GRCh37 (hg19) VCF-style: chr6-42934340-G-A.
Other names: c.1753C>T, p.Pro585Ser (NM_001316313.2); short protein forms P673S, P585S.
Identifiers: ClinVar variation 2068616 (VCV002068616.4), dbSNP rs2481210457, ClinGen allele CA364152797.

ClinVar aggregate classification (germline): Uncertain significance (1 of 4 stars; one submission).

Conditions:
Peroxisome biogenesis disorder. Identifiers: Orphanet 79189, MedGen C1832200, MONDO:0019234. Disease mechanism: loss of function.

Submission:

Labcorp Genetics (formerly Invitae), Labcorp
Classification: Uncertain significance for Peroxisome biogenesis disorder. Last evaluated: 2022-02-08. Review status: criteria provided, single submitter. Criteria: Invitae Variant Classification Sherloc (09022015). Collection method: clinical testing. Allele origin: germline.
Comment: This sequence change replaces proline, which is neutral and non-polar, with serine, which is neutral and polar, at codon 673 of the PEX6 protein (p.Pro673Ser). This variant is not present in population databases (gnomAD no frequency). This variant has not been reported in the literature in individuals affected with PEX6-related conditions. Algorithms developed to predict the effect of missense changes on protein structure and function (SIFT, PolyPhen-2, Align-GVGD) all suggest that this variant is likely to be tolerated. In summary, the available evidence is currently insufficient to determine the role of this variant in disease. Therefore, it has been classified as a Variant of Uncertain Significance.